The following is an entry in ClinVar:

NM_001631.5(ALPI):c.517G>A (p.Ala173Thr)

Gene: ALPI (alkaline phosphatase, intestinal; plus strand). Cytogenetic location: 2q37.1.
Variant type: single nucleotide variant.
Coding change: c.517G>A on transcript NM_001631.5 (MANE Select); coding-DNA position 517, G replaced by A.
Protein change: p.Ala173Thr; replaces alanine 173 with threonine.
Molecular consequence: missense variant.
Genome position (GRCh38, 1-based): chr2:232,457,191, G>A. VCF-style: chr2-232457191-G-A. GRCh37 (hg19) VCF-style: chr2-233321901-G-A.
Other names: c.517G>A (NM_001631.3); short protein forms A173T.
Identifiers: ClinVar variation 3357301 (VCV003357301.2).
Genomic context (GRCh38, chr2:232,457,191, plus strand): 5'-TGACCTCTGTCACCCTCAGGAAAGTCAGTAGGAGTGGTGACCACCACACGGGTGCAGCAC[G>A]CCTCGCCAGCCGGCACCTACGCACACACAGTGAACCGCAACTGGTACTCAGATGCTGACA-3'
Protein context (NP_001622.2, residues 163-183): GVVTTTRVQH[Ala173Thr]SPAGTYAHTV

ClinVar aggregate classification (germline): Uncertain significance. Review status: criteria provided, single submitter (1 of 4 stars). 2 submissions from 2 submitters: Uncertain significance (1). 1 of the submissions does not count toward it. Last evaluated 2025-12-22.

Conditions:
ALPI-related disorder. Also called: ALPI-related condition.

gnomAD v4.1: 46 of 1,613,340 alleles (0.0029%); highest among the groups gnomAD compares: Non-Finnish European, 0.0036%; no homozygotes.

Submissions (2):

Ambry Genetics
Classification: Uncertain significance. Last evaluated: 2025-12-22. Review status: criteria provided, single submitter. Criteria: Ambry Variant Classification Scheme 2023. Collection method: clinical testing. Allele origin: germline.

PreventionGenetics, part of Exact Sciences
Classification: Uncertain significance for ALPI-related condition. Last evaluated: 2024-03-11. Review status: no assertion criteria provided. Collection method: clinical testing. Allele origin: germline. Not counted in ClinVar's aggregate classification.
Comment: The ALPI c.517G>A variant is predicted to result in the amino acid substitution p.Ala173Thr. To our knowledge, this variant has not been reported in the literature. This variant is reported in 0.0031% of alleles in individuals of European (Non-Finnish) descent in gnomAD. At this time, the clinical significance of this variant is uncertain due to the absence of conclusive functional and genetic evidence.